The following is an entry in ClinVar:

NM_003738.5(PTCH2):c.1786C>G (p.Leu596Val)

Gene: PTCH2 (patched 2; minus strand). Cytogenetic location: 1p34.1.
Variant type: single nucleotide variant.
Coding change: c.1786C>G on transcript NM_003738.5 (MANE Select); coding-DNA position 1786, C replaced by G.
Protein change: p.Leu596Val; replaces leucine 596 with valine.
Molecular consequence: missense variant.
Genome position (GRCh38, 1-based): chr1:44,828,115, G>C on the plus strand (C>G on the coding strand, the complement: PTCH2 is on the minus strand). VCF-style: chr1-44828115-G-C. GRCh37 (hg19) VCF-style: chr1-45293787-G-C.
Other names: c.1786C>G, p.Leu596Val (NM_001166292.2); short protein forms L596V.
Identifiers: ClinVar variation 1358862 (VCV001358862.6), dbSNP rs2148875992, ClinGen allele CA340099304.

ClinVar aggregate classification (germline): Uncertain significance (1 of 4 stars; one submission).

Conditions:
Gorlin syndrome. Also called: Basal cell nevus syndrome; Nevoid Basal Cell Carcinoma Syndrome. Identifiers: Orphanet 377, MedGen C0004779, MONDO:0007187.

Submission:

Labcorp Genetics (formerly Invitae), Labcorp
Classification: Uncertain significance for Gorlin syndrome. Last evaluated: 2024-11-04. Review status: criteria provided, single submitter. Criteria: Invitae Variant Classification Sherloc (09022015). Collection method: clinical testing. Allele origin: germline.
Comment: This sequence change replaces leucine, which is neutral and non-polar, with valine, which is neutral and non-polar, at codon 596 of the PTCH2 protein (p.Leu596Val). This variant is not present in population databases (gnomAD no frequency). This variant has not been reported in the literature in individuals affected with PTCH2-related conditions. ClinVar contains an entry for this variant (Variation ID: 1358862). An algorithm developed to predict the effect of missense changes on protein structure and function (PolyPhen-2) suggests that this variant is likely to be tolerated. In summary, the available evidence is currently insufficient to determine the role of this variant in disease. Therefore, it has been classified as a Variant of Uncertain Significance.